The following is an entry in ClinVar:

NM_014946.4(SPAST):c.913A>G (p.Thr305Ala)

Gene: SPAST (spastin; plus strand). Cytogenetic location: 2p22.3.
Variant type: single nucleotide variant.
Coding change: c.913A>G on transcript NM_014946.4 (MANE Select); coding-DNA position 913, A replaced by G.
Protein change: p.Thr305Ala; replaces threonine 305 with alanine.
Molecular consequence: missense variant.
Genome position (GRCh38, 1-based): chr2:32,115,744, A>G. VCF-style: chr2-32115744-A-G. GRCh37 (hg19) VCF-style: chr2-32340813-A-G.
Other names: c.910A>G, p.Thr304Ala (NM_001363823.2); c.814A>G, p.Thr272Ala (NM_001363875.2); c.817A>G, p.Thr273Ala (NM_001377959.1, NM_199436.2); short protein forms T273A, T272A, T305A, T304A.
Identifiers: ClinVar variation 2810574 (VCV002810574.3), dbSNP rs1011906205, ClinGen allele CA44735876.

ClinVar aggregate classification (germline): Uncertain significance (1 of 4 stars; one submission).

Conditions:
Hereditary spastic paraplegia 4. Also called: Spastic Paraplegia 4; Familial spastic paraplegia autosomal dominant 2; Spastic paraplegia 4, autosomal dominant. Identifiers: Orphanet 100985, MedGen C1866855, MONDO:0008438, OMIM 182601.

Allele frequency attached by ClinVar (database versions not stated): gnomAD exomes below 0.00001; TOPMed 0.00002.

Submission:

Labcorp Genetics (formerly Invitae), Labcorp
Classification: Uncertain significance for Hereditary spastic paraplegia 4. Last evaluated: 2024-10-24. Review status: criteria provided, single submitter. Criteria: Invitae Variant Classification Sherloc (09022015). Collection method: clinical testing. Allele origin: germline.
Comment: This sequence change replaces threonine, which is neutral and polar, with alanine, which is neutral and non-polar, at codon 305 of the SPAST protein (p.Thr305Ala). This variant is present in population databases (no rsID available, gnomAD 0.003%). This variant has not been reported in the literature in individuals affected with SPAST-related conditions. Invitae Evidence Modeling of protein sequence and biophysical properties (such as structural, functional, and spatial information, amino acid conservation, physicochemical variation, residue mobility, and thermodynamic stability) indicates that this missense variant is not expected to disrupt SPAST protein function with a negative predictive value of 80%. In summary, the available evidence is currently insufficient to determine the role of this variant in disease. Therefore, it has been classified as a Variant of Uncertain Significance.